The following is an entry in ClinVar:

ClinVar aggregate classification (germline): Uncertain significance (1 of 4 stars; one submission).

Conditions:
Hereditary cancer-predisposing syndrome. Also called: Tumor predisposition; Hereditary Cancer Syndrome; Neoplastic Syndromes, Hereditary; Hereditary neoplastic syndrome. Identifiers: Orphanet 140162, MedGen C0027672, MeSH D009386, MONDO:0015356.

Allele frequency attached by ClinVar (database versions not stated): gnomAD exomes below 0.00001; gnomAD 0.00001.
gnomAD v4.1: 2 of 1,614,086 alleles (0.00012%); highest among the groups gnomAD compares: African/African-American, 0.0027%; no homozygotes.

Submission:

Ambry Genetics
Classification: Uncertain significance for Hereditary cancer-predisposing syndrome. Last evaluated: 2024-02-28. Review status: criteria provided, single submitter. Criteria: Ambry Variant Classification Scheme 2023. Collection method: clinical testing. Allele origin: germline.
Comment: The p.K885R variant (also known as c.2654A>G), located in coding exon 16 of the PTCH1 gene, results from an A to G substitution at nucleotide position 2654. The lysine at codon 885 is replaced by arginine, an amino acid with highly similar properties. This amino acid position is highly conserved in available vertebrate species. In addition, this alteration is predicted to be deleterious by in silico analysis. Since supporting evidence is limited at this time, the clinical significance of this alteration remains unclear.

NM_000264.5(PTCH1):c.2654A>G (p.Lys885Arg)

Gene: PTCH1 (patched 1; minus strand). Cytogenetic location: 9q22.32.
Variant type: single nucleotide variant.
Coding change: c.2654A>G on transcript NM_000264.5 (MANE Select); coding-DNA position 2654, A replaced by G.
Protein change: p.Lys885Arg; replaces lysine 885 with arginine.
Molecular consequence: missense variant. On other transcripts: non-coding transcript variant (1).
Genome position (GRCh38, 1-based): chr9:95,461,905, T>C on the plus strand (A>G on the coding strand, the complement: PTCH1 is on the minus strand). VCF-style: chr9-95461905-T-C. GRCh37 (hg19) VCF-style: chr9-98224187-T-C.
Other names: c.2456A>G, p.Lys819Arg (NM_001083602.3); c.2651A>G, p.Lys884Arg (NM_001083603.3); c.2201A>G, p.Lys734Arg (NM_001083604.3, NM_001083605.3, NM_001083606.3 and 1 more transcripts); c.2498A>G, p.Lys833Arg (NM_001354918.2); short protein forms K885R, K819R, K884R, K734R, K833R.
Identifiers: ClinVar variation 1794355 (VCV001794355.2), dbSNP rs1272128871, ClinGen allele CA374113381.